The following is an entry in ClinVar:

NM_138459.5(NUS1):c.692G>T (p.Ser231Ile)

Gene: NUS1 (NUS1 dehydrodolichyl diphosphate synthase subunit; plus strand). Cytogenetic location: 6q22.1.
Variant type: single nucleotide variant.
Coding change: c.692G>T on transcript NM_138459.5 (MANE Select); coding-DNA position 692, G replaced by T.
Protein change: p.Ser231Ile; replaces serine 231 with isoleucine.
Molecular consequence: missense variant.
Genome position (GRCh38, 1-based): chr6:117,703,605, G>T. VCF-style: chr6-117703605-G-T. GRCh37 (hg19) VCF-style: chr6-118024768-G-T.
Other names: short protein forms S231I.
Identifiers: ClinVar variation 4755950 (VCV004755950.1).

ClinVar aggregate classification (germline): Uncertain significance (1 of 4 stars; one submission).

Submission:

GeneDx
Classification: Uncertain significance. Last evaluated: 2025-08-06. Review status: criteria provided, single submitter. Criteria: GeneDx Variant Classification Process June 2021. Collection method: clinical testing. Allele origin: germline. Affected: yes.
Comment: Not observed at significant frequency in large population cohorts (gnomAD); In silico analysis supports that this missense variant has a deleterious effect on splicing and protein structure/function; Has not been previously published as pathogenic or benign to our knowledge